The following is an entry in ClinVar:

NM_002880.4(RAF1):c.125C>T (p.Ala42Val)

Gene: RAF1 (Raf-1 proto-oncogene, serine/threonine kinase; minus strand). Cytogenetic location: 3p25.2.
Variant type: single nucleotide variant.
Coding change: c.125C>T on transcript NM_002880.4 (MANE Select); coding-DNA position 125, C replaced by T.
Protein change: p.Ala42Val; replaces alanine 42 with valine.
Molecular consequence: missense variant. On other transcripts: 5 prime UTR variant (4), non-coding transcript variant (3).
Genome position (GRCh38, 1-based): chr3:12,618,597, G>A on the plus strand (C>T on the coding strand, the complement: RAF1 is on the minus strand). VCF-style: chr3-12618597-G-A. GRCh37 (hg19) VCF-style: chr3-12660096-G-A.
Other names: NM_002880.3(RAF1):c.125C>T; c.125C>T, p.Ala42Val (NM_001354689.3, NM_001354690.3, NM_001354693.3); c.-6C>T (NM_001354691.3, NM_001354692.3, NM_001354694.3 and 1 more transcripts); short protein forms A42V.
Identifiers: ClinVar variation 343103 (VCV000343103.61), dbSNP rs11549992, ClinGen allele CA2259832.

ClinVar aggregate classification (germline): Likely benign. Review status: reviewed by expert panel (3 of 4 stars). 10 submissions from 9 submitters: Likely benign (1). 9 of the submissions do not count toward it. Last evaluated 2017-04-18.

Conditions:
Noonan syndrome and Noonan-related syndrome. Identifiers: Orphanet 98733, MedGen C5681679, MONDO:0020297.
RAF1-related disorder. Also called: RAF1-related disorders; RAF1-related condition.
RASopathy. Also called: rasopathies; Noonan spectrum disorder. Identifiers: Orphanet 536391, MedGen C5555857, MONDO:0021060.
LEOPARD syndrome 2 (LPRD2). Also called: RAF1-Related LEOPARD Syndrome. Identifiers: Orphanet 500, MedGen C1969056, MONDO:0012691, OMIM 611554.
Noonan syndrome 5 (NS5). Also called: RAF1-Related Noonan Syndrome. Identifiers: Orphanet 648, MedGen C1969057, MONDO:0012690, OMIM 611553. Disease mechanism: gain of function.

Allele frequency attached by ClinVar (database versions not stated): gnomAD 0.00020 and 0.00021; gnomAD exomes 0.00034 and 0.00021; ExAC 0.00026; TOPMed 0.00026.

Submissions (10):

ClinGen RASopathy Variant Curation Expert Panel
Classification: Likely benign for Noonan syndrome and Noonan-related syndrome. Last evaluated: 2017-04-18. Review status: reviewed by expert panel. Criteria: ClinGen RASopathy ACMG Specifications v1. Collection method: curation. Allele origin: germline. Inheritance: Autosomal dominant inheritance.
Comment: The filtering allele frequency of the c.125C>T (p.Ala42Val) variant in the RAF1 gene is 0.026% (25/66738) of European chromosomes by the Exome Aggregation Consortium, which is a high enough frequency to be classified as likely benign based on thresholds defined by the ClinGen RASopathy Expert Panel (BS1; PMID:29493581)

Blueprint Genetics
Classification: Likely benign. Last evaluated: 2024-11-26. Review status: criteria provided, single submitter. Criteria: ACMG Guidelines, 2015. Collection method: clinical testing. Allele origin: germline. Not counted in ClinVar's aggregate classification.

CeGaT Center for Human Genetics Tuebingen
Classification: Benign. Last evaluated: 2024-11-01. Review status: criteria provided, single submitter. Criteria: CeGaT Center For Human Genetics Tuebingen Variant Classification Criteria Version 2. Collection method: clinical testing. Allele origin: germline. Affected: yes. Observed: 7 variant alleles. Not counted in ClinVar's aggregate classification.
Comment: RAF1: BP4, BS1, BS2

Labcorp Genetics (formerly Invitae), Labcorp
Classification: Likely benign for RASopathy. Last evaluated: 2021-12-09. Review status: criteria provided, single submitter. Criteria: Invitae Variant Classification Sherloc (09022015). Collection method: clinical testing. Allele origin: germline. Not counted in ClinVar's aggregate classification.

GeneDx
Classification: Likely benign. Last evaluated: 2021-01-04. Review status: criteria provided, single submitter. Criteria: GeneDx Variant Classification Process June 2021. Collection method: clinical testing. Allele origin: germline. Affected: yes. Not counted in ClinVar's aggregate classification.

Genome Diagnostics Laboratory, The Hospital for Sick Children
Classification: Likely benign for Noonan syndrome and Noonan-related syndrome. Last evaluated: 2018-09-01. Review status: criteria provided, single submitter. Criteria: ACMG Guidelines, 2015. Collection method: clinical testing. Allele origin: germline. Not counted in ClinVar's aggregate classification.

Illumina Laboratory Services, Illumina
Classification: Uncertain significance for Noonan syndrome 5. Last evaluated: 2018-01-13. Review status: criteria provided, single submitter. Criteria: ICSL Variant Classification Criteria 13 December 2019. Collection method: clinical testing. Allele origin: germline. Not counted in ClinVar's aggregate classification.

Illumina Laboratory Services, Illumina
Classification: Benign for LEOPARD syndrome 2. Last evaluated: 2018-01-13. Review status: criteria provided, single submitter. Criteria: ICSL Variant Classification Criteria 13 December 2019. Collection method: clinical testing. Allele origin: germline. Not counted in ClinVar's aggregate classification.
Comment: This variant was observed in the ICSL laboratory as part of a predisposition screen in an ostensibly healthy population. It had not been previously curated by ICSL or reported in the Human Gene Mutation Database (HGMD: prior to June 1st, 2018), and was therefore a candidate for classification through an automated scoring system. Utilizing variant allele frequency, disease prevalence and penetrance estimates, and inheritance mode, an automated score was calculated to assess if this variant is too frequent to cause the disease. Based on the score and internal cut-off values, a variant classified as benign is not then subjected to further curation. The score for this variant resulted in a classification of benign for this disease.

Breakthrough Genomics
Classification: Likely benign. Review status: criteria provided, single submitter. Criteria: ACMG Guidelines, 2015. Collection method: not provided. Allele origin: germline. Inheritance: Autosomal dominant inheritance. Affected: yes. Not counted in ClinVar's aggregate classification.

PreventionGenetics, part of Exact Sciences
Classification: Likely benign for RAF1-related condition. Last evaluated: 2020-12-14. Review status: no assertion criteria provided. Collection method: clinical testing. Allele origin: germline. Not counted in ClinVar's aggregate classification.
Comment: This variant is classified as likely benign based on ACMG/AMP sequence variant interpretation guidelines (Richards et al. 2015 PMID: 25741868, with internal and published modifications).